The following is an entry in ClinVar:

NM_015346.4(ZFYVE26):c.7399C>T (p.His2467Tyr)

Gene: ZFYVE26 (zinc finger FYVE-type containing 26; minus strand). Cytogenetic location: 14q24.1.
Variant type: single nucleotide variant.
Coding change: c.7399C>T on transcript NM_015346.4 (MANE Select); coding-DNA position 7399, C replaced by T.
Protein change: p.His2467Tyr; replaces histidine 2467 with tyrosine.
Molecular consequence: missense variant.
Genome position (GRCh38, 1-based): chr14:67,751,069, G>A on the plus strand (C>T on the coding strand, the complement: ZFYVE26 is on the minus strand). VCF-style: chr14-67751069-G-A. GRCh37 (hg19) VCF-style: chr14-68217786-G-A.
Other names: short protein forms H2467Y.
Identifiers: ClinVar variation 966465 (VCV000966465.5), dbSNP rs374750011, ClinGen allele CA7238968.

ClinVar aggregate classification (germline): Uncertain significance. Review status: criteria provided, multiple submitters, no conflicts (2 of 4 stars). 3 submissions from 3 submitters: Uncertain significance (3). Last evaluated 2023-08-06.

Conditions:
Inborn genetic diseases. Identifiers: MedGen C0950123, MeSH D030342.
Spastic paraplegia. Identifiers: MedGen C0037772, HP:0001258.

Allele frequency attached by ClinVar (database versions not stated): ExAC 0.00004; gnomAD exomes 0.00007; TOPMed 0.00007; ESP Exome Variant Server 0.00008; gnomAD 0.00010 and 0.00011.
gnomAD v4.1: 137 of 1,614,090 alleles (0.0085%); highest among the groups gnomAD compares: African/African-American, 0.011%; no homozygotes.

Submissions (3):

GeneDx
Classification: Uncertain significance. Last evaluated: 2023-08-06. Review status: criteria provided, single submitter. Criteria: GeneDx Variant Classification Process June 2021. Collection method: clinical testing. Allele origin: germline. Affected: yes.
Comment: In silico analysis supports that this missense variant does not alter protein structure/function; Has not been previously published as pathogenic or benign to our knowledge

Labcorp Genetics (formerly Invitae), Labcorp
Classification: Uncertain significance for Spastic paraplegia. Last evaluated: 2022-05-30. Review status: criteria provided, single submitter. Criteria: Invitae Variant Classification Sherloc (09022015). Collection method: clinical testing. Allele origin: germline.
Comment: This sequence change replaces histidine, which is basic and polar, with tyrosine, which is neutral and polar, at codon 2467 of the ZFYVE26 protein (p.His2467Tyr). This variant is present in population databases (rs374750011, gnomAD 0.02%). This variant has not been reported in the literature in individuals affected with ZFYVE26-related conditions. ClinVar contains an entry for this variant (Variation ID: 966465). Algorithms developed to predict the effect of missense changes on protein structure and function (SIFT, PolyPhen-2, Align-GVGD) all suggest that this variant is likely to be tolerated. In summary, the available evidence is currently insufficient to determine the role of this variant in disease. Therefore, it has been classified as a Variant of Uncertain Significance.

Ambry Genetics
Classification: Uncertain significance for Inborn genetic diseases. Last evaluated: 2021-09-17. Review status: criteria provided, single submitter. Criteria: Ambry Variant Classification Scheme 2023. Collection method: clinical testing. Allele origin: germline.